The following is an entry in ClinVar:

ClinVar aggregate classification (germline): Conflicting classifications of pathogenicity. Review status: criteria provided, conflicting classifications (1 of 4 stars). 4 submissions from 4 submitters: Likely pathogenic (2); Uncertain significance (1). 1 of the submissions does not count toward it. Last evaluated 2026-03-11.

Conditions:
Cardiovascular phenotype. Identifiers: MedGen CN230736.
Dilated cardiomyopathy 1G (CMD1G). Identifiers: Orphanet 154, MedGen C1858763, MONDO:0011400, OMIM 604145.
Autosomal recessive limb-girdle muscular dystrophy type 2J (LGMDR10). Also called: MUSCULAR DYSTROPHY, LIMB-GIRDLE, AUTOSOMAL RECESSIVE 10; Limb-girdle muscular dystrophy, type 2J. Identifiers: Orphanet 140922, MedGen C1837342, MONDO:0012127, OMIM 608807.

Submissions (4):

Ambry Genetics
Classification: Likely pathogenic for Cardiovascular phenotype. Last evaluated: 2026-03-11. Review status: criteria provided, single submitter. Criteria: Ambry Variant Classification Scheme 2023. Collection method: clinical testing. Allele origin: germline.
Comment: The c.17205delG variant, located in coding exon 67 of the TTN gene, results from a deletion of one nucleotide at nucleotide position 17205, causing a translational frameshift with a predicted alternate stop codon (p.K5736Rfs*3). This exon is located in the I-band region of the N2-B isoform of the titin protein and is constitutively expressed in TTN transcripts (percent spliced in or PSI 100%). This variant is expected to result in loss of function by premature protein truncation or nonsense-mediated mRNA decay. While truncating variants in TTN are present in 1-3% of the general population, truncating variants in the A-band are the most common cause of dilated cardiomyopathy (Herman DS et al. N. Engl. J. Med., 2012 Feb;366:619-28; Roberts AM et al. Sci Transl Med, 2015 Jan;7:270ra6). TTN truncating variants encoded in constitutive exons (PSI >90%) have been found to be significantly associated with DCM regardless of their position in titin (Schafer S et al. Nat. Genet., 2017 01;49:46-53; Akhtar MM et al. Circ Heart Fail, 2020 Oct;13:e006832; Massier M et al. Clin Genet, 2025 Jan). This variant is considered to be rare based on population cohorts in the Genome Aggregation Database (gnomAD). Based on the majority of available evidence to date, this variant is likely to be pathogenic.

Labcorp Genetics (formerly Invitae), Labcorp
Classification: Likely pathogenic for Dilated cardiomyopathy 1G; Autosomal recessive limb-girdle muscular dystrophy type 2J. Last evaluated: 2025-01-11. Review status: criteria provided, single submitter. Criteria: Invitae Variant Classification Sherloc (09022015). Collection method: clinical testing. Allele origin: germline.
Comment: This sequence change creates a premature translational stop signal (p.Lys14801Argfs*3) in the TTN gene. While this is not anticipated to result in nonsense mediated decay, it is expected to create a truncated TTN protein. This variant is not present in population databases (gnomAD no frequency). This variant has not been reported in the literature in individuals affected with TTN-related conditions. ClinVar contains an entry for this variant (Variation ID: 166052). This variant is located in the I band of TTN (PMID: 25589632). Truncating variants in this region have been reported in individuals affected with autosomal recessive centronuclear myopathy (PMID: 23975875, internal data). Truncating variants in this region have also been identified in individuals affected with autosomal dominant dilated cardiomyopathy and/or cardio-related conditions (PMID: 27869827, 32964742, internal data). In summary, the currently available evidence indicates that the variant is pathogenic, but additional data are needed to prove that conclusively. Therefore, this variant has been classified as Likely Pathogenic.

Laboratory for Molecular Medicine, Mass General Brigham Personalized Medicine
Classification: Uncertain significance. Last evaluated: 2014-07-03. Review status: criteria provided, single submitter. Criteria: LMM Criteria. Collection method: clinical testing. Allele origin: germline. Observed: 1 variant allele.
Comment: Variant classified as Uncertain Significance - Favor Pathogenic. The Lys12233fs variant in TTN has not been previously reported in individuals with cardiomyopat hy. Data from large studies is insufficient to assess its frequency in the gener al population. This variant is predicted to cause a frameshift, which alters the protein?s amino acid sequence beginning at position 12233 and leads to a premat ure termination codon 3 amino acids downstream. Frameshift and other truncating variants in TTN are strongly associated with DCM, particularly if they are locat ed in the exons encoding for the A-band region of the protein (Herman 2012, Pugh 2014). Variants in the I-band, where the Lys12233fs variant is located, occur a t a greater frequency in controls than in individuals with DCM (Pugh 2014). This decreases the likelihood, but does not rule out that this variant has a role in disease. In summary, while there is some suspicion for a pathogenic role based on the severity of the predicted impact to the protein, the clinical significanc e of the Lys12233Argfs variant is uncertain.

Cardiogenetics and Myogenetics Molecular and Cellular Functional Unit, Aphp Sorbonne University-Hopital Pitie Salpetriere
Classification: Likely pathogenic for Dilated cardiomyopathy 1G. Last evaluated: 2024-01-06. Review status: no assertion criteria provided. Collection method: clinical testing. Allele origin: germline. Affected: yes. Not counted in ClinVar's aggregate classification.

Literature cited by the submitters: PubMed 25589632 (cited by Labcorp Genetics (formerly Invitae), Labcorp); PubMed 23975875 (cited by Labcorp Genetics (formerly Invitae), Labcorp); PubMed 27869827 (cited by Labcorp Genetics (formerly Invitae), Labcorp); PubMed 32964742 (cited by Labcorp Genetics (formerly Invitae), Labcorp).

NM_001267550.2(TTN):c.44400del (p.Lys14801fs)

Gene: TTN (titin; minus strand). Cytogenetic location: 2q31.2.
Variant type: Deletion.
Coding change: c.44400del on transcript NM_001267550.2 (MANE Select); coding-DNA position 44400, one base deleted (G; older notation c.44400delG).
Protein change: p.Lys14801fs; shifts the reading frame from lysine 14801.
Molecular consequence: frameshift variant.
Genome position (GRCh38, 1-based): chr2:178,629,325, C deleted on the plus strand (G on the coding strand, the reverse complement: TTN is on the minus strand); the first of 3 consecutive C bases (chr2:178,629,325-178,629,327); deleting any one gives the same sequence. VCF-style (leftmost placement, unchanged base first): chr2-178629324-TC-T. GRCh37 (hg19) VCF-style: chr2-179494051-TC-T.
Other names: c.36696delG (NM_133378.4); c.17205delG (NM_003319.4); c.39477del, p.Lys13160fs (NM_001256850.1); c.17205del, p.Lys5736fs (NM_003319.4); c.36696del, p.Lys12233fs (NM_133378.4); c.17580del, p.Lys5861fs (NM_133432.3); c.17781del, p.Lys5928fs (NM_133437.4); short protein forms K12233fs, K5736fs, K5928fs, K14801fs, K5861fs, K13160fs.
Identifiers: ClinVar variation 166052 (VCV000166052.17), dbSNP rs727503628, ClinGen allele CA178854.